The following is an entry in ClinVar:

ClinVar aggregate classification (germline): Uncertain significance. Review status: criteria provided, multiple submitters, no conflicts (2 of 4 stars). 3 submissions from 3 submitters: Uncertain significance (3). Last evaluated 2024-10-21.

Conditions:
Hereditary cancer-predisposing syndrome. Also called: Neoplastic Syndromes, Hereditary; Hereditary Cancer Syndrome; Hereditary neoplastic syndrome; Tumor predisposition. Identifiers: Orphanet 140162, MedGen C0027672, MeSH D009386, MONDO:0015356.
Familial cancer of breast. Also called: BREAST CANCER, FAMILIAL; Hereditary breast cancer; hereditary breast carcinoma. Identifiers: Orphanet 227535, MedGen C0346153, MONDO:0016419, OMIM 114480. Disease mechanism: loss of function.

Allele frequency attached by ClinVar (database versions not stated): ExAC 0.00001; gnomAD exomes 0.00001.
gnomAD v4.1: 11 of 1,614,164 alleles (0.00068%); highest among the groups gnomAD compares: Non-Finnish European, 0.00093%; no homozygotes.

Submissions (3):

Ambry Genetics
Classification: Uncertain significance for Hereditary cancer-predisposing syndrome. Last evaluated: 2024-10-21. Review status: criteria provided, single submitter. Criteria: Ambry Variant Classification Scheme 2023. Collection method: clinical testing. Allele origin: germline.
Comment: The p.V635M variant (also known as c.1903G>A), located in coding exon 5 of the PALB2 gene, results from a G to A substitution at nucleotide position 1903. The valine at codon 635 is replaced by methionine, an amino acid with highly similar properties. This amino acid position is conserved. In addition, this alteration is predicted to be tolerated by in silico analysis. Since supporting evidence is limited at this time, the clinical significance of this alteration remains unclear.

Color Diagnostics, LLC DBA Color Health
Classification: Uncertain significance for Hereditary cancer-predisposing syndrome. Last evaluated: 2023-12-05. Review status: criteria provided, single submitter. Criteria: ACMG Guidelines, 2015. Collection method: clinical testing. Allele origin: germline.
Comment: This missense variant replaces valine with methionine at codon 635 of the PALB2 protein. Computational prediction suggests that this variant may not impact protein structure and function (internally defined REVEL score threshold <= 0.5, PMID: 27666373). To our knowledge, functional studies have not been reported for this variant. This variant has not been reported in individuals affected with PALB2-related disorders in the literature. This variant has been identified in 2/250688 chromosomes in the general population by the Genome Aggregation Database (gnomAD). The available evidence is insufficient to determine the role of this variant in disease conclusively. Therefore, this variant is classified as a Variant of Uncertain Significance.

Labcorp Genetics (formerly Invitae), Labcorp
Classification: Uncertain significance for Familial cancer of breast. Last evaluated: 2022-10-19. Review status: criteria provided, single submitter. Criteria: Invitae Variant Classification Sherloc (09022015). Collection method: clinical testing. Allele origin: germline.
Comment: ClinVar contains an entry for this variant (Variation ID: 460918). Advanced modeling of protein sequence and biophysical properties (such as structural, functional, and spatial information, amino acid conservation, physicochemical variation, residue mobility, and thermodynamic stability) performed at Invitae indicates that this missense variant is not expected to disrupt PALB2 protein function. In summary, the available evidence is currently insufficient to determine the role of this variant in disease. Therefore, it has been classified as a Variant of Uncertain Significance. This variant has not been reported in the literature in individuals affected with PALB2-related conditions. This sequence change replaces valine, which is neutral and non-polar, with methionine, which is neutral and non-polar, at codon 635 of the PALB2 protein (p.Val635Met). This variant is present in population databases (rs776389696, gnomAD 0.002%).

NM_024675.4(PALB2):c.1903G>A (p.Val635Met)

Gene: PALB2 (partner and localizer of BRCA2; minus strand). Cytogenetic location: 16p12.2.
Variant type: single nucleotide variant.
Coding change: c.1903G>A on transcript NM_024675.4 (MANE Select); coding-DNA position 1903, G replaced by A.
Protein change: p.Val635Met; replaces valine 635 with methionine.
Molecular consequence: missense variant.
Genome position (GRCh38, 1-based): chr16:23,630,251, C>T on the plus strand (G>A on the coding strand, the complement: PALB2 is on the minus strand). VCF-style: chr16-23630251-C-T. GRCh37 (hg19) VCF-style: chr16-23641572-C-T.
Other names: short protein forms V635M.
Identifiers: ClinVar variation 460918 (VCV000460918.16), dbSNP rs776389696, ClinGen allele CA7963648.
Genomic context (GRCh38, chr16:23,630,251, plus strand): 5'-AAATACAGCTTCCCTCTTTAAGATGTCTCTCTCCAAACATTTTTGACTCAAAGGGCTCCA[C>T]TGGTTTTTCTGAGCAGGACTTCACTTTTTCAAGCTTAAGAGGTCCAAAGTCTTCATCAGG-3'
Protein context (NP_078951.2, residues 625-645): EKVKSCSEKP[Val635Met]EPFESKMFGE